The following is an entry in ClinVar:

ClinVar aggregate classification (germline): Uncertain significance (1 of 4 stars; one submission).

Conditions:
X-linked myopathy with postural muscle atrophy. Also called: FHL1-Related Emery-Dreifuss Muscular Dystrophy, X-Linked. Identifiers: Orphanet 178461, MedGen C2678055, MONDO:0010401, OMIM 300696.

Submission:

Labcorp Genetics (formerly Invitae), Labcorp
Classification: Uncertain significance for X-linked myopathy with postural muscle atrophy. Last evaluated: 2025-06-10. Review status: criteria provided, single submitter. Criteria: Invitae Variant Classification Sherloc (09022015). Collection method: clinical testing. Allele origin: germline.
Comment: This sequence change replaces tryptophan, which is neutral and slightly polar, with glycine, which is neutral and non-polar, at codon 245 of the FHL1 protein (p.Trp245Gly). This variant is not present in population databases (gnomAD no frequency). This variant has not been reported in the literature in individuals affected with FHL1-related conditions. An algorithm developed to predict the effect of missense changes on protein structure and function (PolyPhen-2) suggests that this variant is likely to be disruptive. In summary, the available evidence is currently insufficient to determine the role of this variant in disease. Therefore, it has been classified as a Variant of Uncertain Significance.

NM_001159699.2(FHL1):c.781T>G (p.Trp261Gly)

Gene: FHL1 (four and a half LIM domains 1; plus strand). Cytogenetic location: Xq26.3.
Variant type: single nucleotide variant.
Coding change: c.781T>G on transcript NM_001159699.2 (MANE Select); coding-DNA position 781, T replaced by G.
Protein change: p.Trp261Gly; replaces tryptophan 261 with glycine.
Molecular consequence: missense variant. On other transcripts: non-coding transcript variant (1), synonymous variant (7).
Genome position (GRCh38, 1-based): chrX:136,209,915, T>G. VCF-style: chrX-136209915-T-G. GRCh37 (hg19) VCF-style: chrX-135292074-T-G.
Other names: c.733T>G, p.Trp245Gly (NM_001159700.2, NM_001159704.1, NM_001167819.1 and 4 more transcripts); c.820T>G, p.Trp274Gly (NM_001159701.2); c.933T>G, p.Pro311= (NM_001159702.3, NM_001369326.1, NM_001369327.2 and 1 more transcripts); c.546T>G, p.Pro182= (NM_001159703.2); c.594T>G, p.Pro198= (NM_001330659.2); c.981T>G, p.Pro327= (NM_001440769.1); short protein forms W245G, W261G, W274G.
Identifiers: ClinVar variation 4721098 (VCV004721098.1).